The following is an entry in ClinVar:

NM_005026.5(PIK3CD):c.2225C>G (p.Ala742Gly)

Gene: PIK3CD (phosphatidylinositol-4,5-bisphosphate 3-kinase catalytic subunit delta; plus strand). Cytogenetic location: 1p36.22.
Variant type: single nucleotide variant.
Coding change: c.2225C>G on transcript NM_005026.5 (MANE Select); coding-DNA position 2225, C replaced by G.
Protein change: p.Ala742Gly; replaces alanine 742 with glycine.
Molecular consequence: missense variant.
Genome position (GRCh38, 1-based): chr1:9,722,144, C>G. VCF-style: chr1-9722144-C-G. GRCh37 (hg19) VCF-style: chr1-9782202-C-G.
Other names: c.2222C>G, p.Ala741Gly (NM_001350234.2); c.2138C>G, p.Ala713Gly (NM_001350235.1); short protein forms A713G, A741G, A742G.
Identifiers: ClinVar variation 3628714 (VCV003628714.2).
Genomic context (GRCh38, chr1:9,722,144, plus strand): 5'-AGGCCTACCTAGAGGCCCTCTCCCACCTGCAGTCCCCACTCGACCCCAGCACCCTGCTGG[C>G]TGAAGTCTGGTGAGCCCAAGCCCCGCCACAAGGGTTCCTCCCACCCCTGGGAGGCCGGTA-3'
Protein context (NP_005017.3, residues 732-752): QSPLDPSTLL[Ala742Gly]EVCVEQCTFM

ClinVar aggregate classification (germline): Uncertain significance (1 of 4 stars; one submission).

Conditions:
Immunodeficiency 14 (IMD14A). Also called: IMMUNODEFICIENCY 14A WITH LYMPHOPROLIFERATION, AUTOSOMAL DOMINANT; p110-DELTA-ACTIVATING MUTATION CAUSING SENESCENT T CELLS, LYMPHADENOPATHY, AND IMMUNODEFICIENCY; ACTIVATED PI3K-DELTA SYNDROME 1; Activated PI3K Delta Syndrome Type 1 (APDS1). Identifiers: Orphanet 397596, Orphanet 693661, MedGen C5907821, MONDO:0014222, OMIM 615513.

gnomAD v4.1: 1 of 1,612,548 alleles (0.000062%); highest among the groups gnomAD compares: Middle Eastern, 0.016%; no homozygotes.

Submission:

Labcorp Genetics (formerly Invitae), Labcorp
Classification: Uncertain significance for Activated PI3K-delta syndrome. Last evaluated: 2024-04-16. Review status: criteria provided, single submitter. Criteria: Invitae Variant Classification Sherloc (09022015). Collection method: clinical testing. Allele origin: germline.
Comment: This sequence change replaces alanine, which is neutral and non-polar, with glycine, which is neutral and non-polar, at codon 742 of the PIK3CD protein (p.Ala742Gly). This variant is present in population databases (no rsID available, gnomAD no frequency). This variant has not been reported in the literature in individuals affected with PIK3CD-related conditions. Advanced modeling of protein sequence and biophysical properties (such as structural, functional, and spatial information, amino acid conservation, physicochemical variation, residue mobility, and thermodynamic stability) performed at Invitae indicates that this missense variant is not expected to disrupt PIK3CD protein function with a negative predictive value of 80%. In summary, the available evidence is currently insufficient to determine the role of this variant in disease. Therefore, it has been classified as a Variant of Uncertain Significance.